The following is an entry in ClinVar:

ClinVar aggregate classification (germline): Pathogenic/Likely pathogenic. Review status: criteria provided, multiple submitters, no conflicts (2 of 4 stars). 2 submissions from 2 submitters: Pathogenic (1); Likely pathogenic (1). Last evaluated 2023-05-05.

Conditions:
Spondyloepimetaphyseal dysplasia, PAPSS2 type. Also called: SEMD, PAKISTANI TYPE; BRACHYOLMIA TYPE 4 WITH MILD EPIPHYSEAL AND METAPHYSEAL CHANGES; SPONDYLODYSPLASIA AND PREMATURE PUBARCHE. Identifiers: Orphanet 93282, MedGen C2748516, MONDO:0019666, OMIM 612847.

Allele frequency attached by ClinVar (database versions not stated): gnomAD exomes below 0.00001; gnomAD 0.00002 and 0.00003; TOPMed 0.00004.
gnomAD v4.1: 9 of 1,592,294 alleles (0.00057%); highest among the groups gnomAD compares: African/African-American, 0.0054%; no homozygotes.

Submissions (2):

Labcorp Genetics (formerly Invitae), Labcorp
Classification: Likely pathogenic for Spondyloepimetaphyseal dysplasia, PAPSS2 type. Last evaluated: 2023-05-05. Review status: criteria provided, single submitter. Criteria: Invitae Variant Classification Sherloc (09022015). Collection method: clinical testing. Allele origin: germline.
Comment: In summary, the currently available evidence indicates that the variant is pathogenic, but additional data are needed to prove that conclusively. Therefore, this variant has been classified as Likely Pathogenic. Algorithms developed to predict the effect of sequence changes on RNA splicing suggest that this variant may disrupt the consensus splice site. ClinVar contains an entry for this variant (Variation ID: 1679876). This variant has not been reported in the literature in individuals affected with PAPSS2-related conditions. This variant is present in population databases (no rsID available, gnomAD 0.007%). This sequence change affects an acceptor splice site in intron 5 of the PAPSS2 gene. It is expected to disrupt RNA splicing. Variants that disrupt the donor or acceptor splice site typically lead to a loss of protein function (PMID: 16199547), and loss-of-function variants in PAPSS2 are known to be pathogenic (PMID: 22791835, 23633440).

Kasturba Medical College, Manipal, Kasturba Medical College, Manipal, Manipal Academy of Higher Education, Manipal, India
Classification: Pathogenic for Spondyloepimetaphyseal dysplasia, PAPSS2 type. Last evaluated: 2022-05-09. Review status: criteria provided, single submitter. Criteria: ACMG Guidelines, 2015. Collection method: clinical testing. Allele origin: germline. Affected: yes.

Literature cited by the submitters: PubMed 16199547 (cited by Labcorp Genetics (formerly Invitae), Labcorp); PubMed 22791835 (cited by Labcorp Genetics (formerly Invitae), Labcorp); PubMed 23633440 (cited by Labcorp Genetics (formerly Invitae), Labcorp).

NM_001015880.2(PAPSS2):c.640-1G>C

Gene: PAPSS2 (3'-phosphoadenosine 5'-phosphosulfate synthase 2; plus strand). Cytogenetic location: 10q23.31.
Variant type: single nucleotide variant.
Coding change: c.640-1G>C on transcript NM_001015880.2 (MANE Select); the canonical splice acceptor site of the intron before coding-DNA position 640, G replaced by C.
Molecular consequence: splice acceptor variant.
Genome position (GRCh38, 1-based): chr10:87,714,984, G>C. VCF-style: chr10-87714984-G-C. GRCh37 (hg19) VCF-style: chr10-89474741-G-C.
Other names: c.640-1G>C (NM_004670.4).
Identifiers: ClinVar variation 1679876 (VCV001679876.6), dbSNP rs981095457, ClinGen allele CA211260392.
Genomic context (GRCh38, chr10:87,714,984, plus strand): 5'-CTCTTTACTGAAGCATTCTTTTTACAGTTTTCAAGTTTTTACCAATGCTGTTTCATTTCA[G>C]AACATTGTACCCTATACTATAATCAAAGATATCCACGAACTCTTTGTGCCGGAAAACAAA-3'